The following is an entry in ClinVar:

ClinVar aggregate classification (germline): Pathogenic (1 of 4 stars; one submission).

Conditions:
Retinitis pigmentosa 77 (RP77). Identifiers: MedGen C4310626, MONDO:0015013, OMIM 617304.

Submission:

Institute of Human Genetics, University of Leipzig Medical Center
Classification: Pathogenic for Retinitis pigmentosa 77. Last evaluated: 2026-01-20. Review status: criteria provided, single submitter. Criteria: ACMG Guidelines, 2015. Collection method: clinical testing. Allele origin: unknown. Inheritance: Autosomal recessive inheritance. Affected: yes.
Comment: Criteria applied: PM2,PM3_SUP,PVS1(RNA); r.[116_209del,209_210ins209+1_209+4] p.[(Gly39Glufs*75;Ile71*)]

NM_138393.4(REEP6):c.209+5dup

Gene: REEP6 (receptor accessory protein 6; plus strand). Cytogenetic location: 19p13.3.
Variant type: Duplication.
Coding change: c.209+5dup on transcript NM_138393.4 (MANE Select); 5 bases into the intron after coding-DNA position 209, one base duplicated (G; older notation c.209+5dupG).
Molecular consequence: intron variant.
Genome position (GRCh38, 1-based): chr19:1,495,392, G duplicated. VCF-style (leftmost placement, unchanged base first): chr19-1495391-A-AG. GRCh37 (hg19) VCF-style: chr19-1495390-A-AG.
Other names: c.209+5dup (NM_001329556.3); c.209+5_209+6insG (NM_001329556.3).
Identifiers: ClinVar variation 4819170 (VCV004819170.2).